The following is an entry in ClinVar:

NM_012088.3(PGLS):c.435G>C (p.Leu145=)

Gene: PGLS (6-phosphogluconolactonase; plus strand). Cytogenetic location: 19p13.11.
Variant type: single nucleotide variant.
Coding change: c.435G>C on transcript NM_012088.3 (MANE Select); coding-DNA position 435, G replaced by C.
Protein change: p.Leu145=; no amino-acid change (leucine 145 retained).
Molecular consequence: synonymous variant.
Genome position (GRCh38, 1-based): chr19:17,517,326, G>C. VCF-style: chr19-17517326-G-C. GRCh37 (hg19) VCF-style: chr19-17628135-G-C.
Other names: p.Leu145=.
Identifiers: ClinVar variation 4684337 (VCV004684337.1).

ClinVar aggregate classification (germline): Likely benign (1 of 4 stars; one submission).

gnomAD v4.1: 7 of 1,613,896 alleles (0.00043%); highest among the groups gnomAD compares: Non-Finnish European, 0.00059%; no homozygotes.

Submission:

Mayo Clinic Laboratories, Mayo Clinic
Classification: Likely benign. Last evaluated: 2025-01-02. Review status: criteria provided, single submitter. Criteria: ACMG Guidelines, 2015. Collection method: clinical testing. Allele origin: germline. Observed: 1 variant allele.
Comment: BP4, BP7, PM2_supporting